The following is an entry in ClinVar:

ClinVar aggregate classification (germline): Uncertain significance (1 of 4 stars; one submission).

Submission:

Ambry Genetics
Classification: Uncertain significance. Last evaluated: 2026-03-12. Review status: criteria provided, single submitter. Criteria: Ambry Variant Classification Scheme 2023. Collection method: clinical testing. Allele origin: germline.
Comment: The p.Q308E variant (also known as c.922C>G), located in coding exon 6 of the ATRIP gene, results from a C to G substitution at nucleotide position 922. The glutamine at codon 308 is replaced by glutamic acid, an amino acid with highly similar properties. This amino acid position is conserved. In addition, this alteration is predicted to be tolerated by in silico analysis. Based on the available evidence, the clinical significance of this variant remains unclear.

NM_130384.3(ATRIP):c.922C>G (p.Gln308Glu)

Genes: ATRIP (ATR interacting protein; plus strand), ATRIP-TREX1 (ATRIP-TREX1 readthrough; plus strand). Cytogenetic location: 3p21.31.
Variant type: single nucleotide variant.
Coding change: c.922C>G on transcript NM_130384.3 (MANE Select); coding-DNA position 922, C replaced by G.
Protein change: p.Gln308Glu; replaces glutamine 308 with glutamic acid.
Molecular consequence: missense variant. On other transcripts: non-coding transcript variant (1).
Genome position (GRCh38, 1-based): chr3:48,459,451, C>G. VCF-style: chr3-48459451-C-G. GRCh37 (hg19) VCF-style: chr3-48500850-C-G.
Other names: c.541C>G, p.Gln181Glu (NM_001271022.2); c.643C>G, p.Gln215Glu (NM_001271023.2); c.922C>G, p.Gln308Glu (NM_032166.4); short protein forms Q215E, Q308E, Q181E.
Identifiers: ClinVar variation 4826283 (VCV004826283.1).